The following is an entry in ClinVar:

ClinVar aggregate classification (germline): Benign (1 of 4 stars; one submission).

Conditions:
Emery-Dreifuss muscular dystrophy 5, autosomal dominant (EDMD5). Also called: EMERY-DREIFUSS MUSCULAR DYSTROPHY 5. Identifiers: Orphanet 261, MedGen C2751805, MONDO:0013072, OMIM 612999.

Allele frequency attached by ClinVar (database versions not stated): gnomAD exomes 0.00001 and 0.00002; TOPMed 0.00001; ExAC 0.00002.
gnomAD v4.1: 12 of 1,613,868 alleles (0.00074%); highest among the groups gnomAD compares: South Asian, 0.012%; no homozygotes.

Submission:

Illumina Laboratory Services, Illumina
Classification: Benign for Emery-Dreifuss muscular dystrophy 5, autosomal dominant. Last evaluated: 2018-01-13. Review status: criteria provided, single submitter. Criteria: ICSL Variant Classification Criteria 13 December 2019. Collection method: clinical testing. Allele origin: germline.
Comment: This variant was observed in the ICSL laboratory as part of a predisposition screen in an ostensibly healthy population. It had not been previously curated by ICSL or reported in the Human Gene Mutation Database (HGMD: prior to June 1st, 2018), and was therefore a candidate for classification through an automated scoring system. Utilizing variant allele frequency, disease prevalence and penetrance estimates, and inheritance mode, an automated score was calculated to assess if this variant is too frequent to cause the disease. Based on the score and internal cut-off values, a variant classified as benign is not then subjected to further curation. The score for this variant resulted in a classification of benign for this disease.

NM_182914.3(SYNE2):c.10060G>A (p.Ala3354Thr)

Gene: SYNE2 (spectrin repeat containing nuclear envelope protein 2; plus strand). Cytogenetic location: 14q23.2.
Variant type: single nucleotide variant.
Coding change: c.10060G>A on transcript NM_182914.3 (MANE Select); coding-DNA position 10060, G replaced by A.
Protein change: p.Ala3354Thr; replaces alanine 3354 with threonine.
Molecular consequence: missense variant.
Genome position (GRCh38, 1-based): chr14:64,056,259, G>A. VCF-style: chr14-64056259-G-A. GRCh37 (hg19) VCF-style: chr14-64522977-G-A.
Other names: c.10060G>A, p.Ala3354Thr (NM_015180.6); short protein forms A3354T.
Identifiers: ClinVar variation 881159 (VCV000881159.4), dbSNP rs763091372, ClinGen allele CA7221398.